The following is an entry in ClinVar:

ClinVar aggregate classification (germline): Uncertain significance. Review status: criteria provided, multiple submitters, no conflicts (2 of 4 stars). 2 submissions from 2 submitters: Uncertain significance (2). Last evaluated 2023-11-03.

Allele frequency attached by ClinVar (database versions not stated): TOPMed 0.00001.

Submissions (2):

GeneDx
Classification: Uncertain significance. Last evaluated: 2023-11-03. Review status: criteria provided, single submitter. Criteria: GeneDx Variant Classification Process June 2021. Collection method: clinical testing. Allele origin: germline. Affected: yes.
Comment: Not observed at significant frequency in large population cohorts (gnomAD); Missense variant in a gene in which most reported pathogenic variants are truncating/loss of function; Has not been previously published as pathogenic or benign to our knowledge

Eurofins Ntd Llc (ga)
Classification: Uncertain significance. Last evaluated: 2015-04-09. Review status: criteria provided, single submitter. Criteria: EGL Classification Definitions 2015. Collection method: clinical testing. Allele origin: germline. Observed: 1 variant allele, 1 heterozygote.

NM_001267550.2(TTN):c.83659C>T (p.Pro27887Ser)

Genes: TTN-AS1 (TTN antisense RNA 1; plus strand), TTN (titin; minus strand). Cytogenetic location: 2q31.2.
Variant type: single nucleotide variant.
Coding change: c.83659C>T on transcript NM_001267550.2 (MANE Select); coding-DNA position 83659, C replaced by T.
Protein change: p.Pro27887Ser; replaces proline 27887 with serine.
Molecular consequence: missense variant.
Genome position (GRCh38, 1-based): chr2:178,562,473, G>A on the plus strand (C>T on the coding strand, the complement: TTN is on the minus strand). VCF-style: chr2-178562473-G-A. GRCh37 (hg19) VCF-style: chr2-179427200-G-A.
Other names: c.78736C>T, p.Pro26246Ser (NM_001256850.1); c.56464C>T, p.Pro18822Ser (NM_003319.4); c.75955C>T, p.Pro25319Ser (NM_133378.4); c.56839C>T, p.Pro18947Ser (NM_133432.3); c.57040C>T, p.Pro19014Ser (NM_133437.4); c.83659C>T (NM_001267550.1); short protein forms P27887S, P25319S, P26246S, P18822S, P18947S, P19014S.
Identifiers: ClinVar variation 196087 (VCV000196087.6), dbSNP rs794727455, ClinGen allele CA242874.